The following is an entry in ClinVar:

NM_003906.5(MCM3AP):c.2636A>G (p.Lys879Arg)

Gene: MCM3AP (minichromosome maintenance complex component 3 associated protein; minus strand). Cytogenetic location: 21q22.3.
Variant type: single nucleotide variant.
Coding change: c.2636A>G on transcript NM_003906.5 (MANE Select); coding-DNA position 2636, A replaced by G.
Protein change: p.Lys879Arg; replaces lysine 879 with arginine.
Molecular consequence: missense variant.
Genome position (GRCh38, 1-based): chr21:46,267,135, T>C on the plus strand (A>G on the coding strand, the complement: MCM3AP is on the minus strand). VCF-style: chr21-46267135-T-C. GRCh37 (hg19) VCF-style: chr21-47687049-T-C.
Other names: c.2636A>G (NM_003906.3); short protein forms K879R.
Identifiers: ClinVar variation 1919722 (VCV001919722.7), dbSNP rs752039003, ClinGen allele CA10076778.

ClinVar aggregate classification (germline): Uncertain significance. Review status: criteria provided, multiple submitters, no conflicts (2 of 4 stars). 2 submissions from 2 submitters: Uncertain significance (2). Last evaluated 2025-09-01.

Conditions:
Inborn genetic diseases. Identifiers: MedGen C0950123, MeSH D030342.

Allele frequency attached by ClinVar (database versions not stated): gnomAD exomes 0.00001; ExAC 0.00003.
gnomAD v4.1: 8 of 1,613,480 alleles (0.0005%); highest among the groups gnomAD compares: Non-Finnish European, 0.00068%; no homozygotes.

Submissions (4):

Ambry Genetics
Classification: Uncertain significance for Inborn genetic diseases. Last evaluated: 2025-09-01. Review status: criteria provided, single submitter. Criteria: Ambry Variant Classification Scheme 2023. Collection method: clinical testing. Allele origin: germline.

Labcorp Genetics (formerly Invitae), Labcorp
Classification: Uncertain significance. Last evaluated: 2022-10-21. Review status: criteria provided, single submitter. Criteria: Invitae Variant Classification Sherloc (09022015). Collection method: clinical testing. Allele origin: germline.
Comment: This sequence change replaces lysine, which is basic and polar, with arginine, which is basic and polar, at codon 879 of the MCM3AP protein (p.Lys879Arg). This variant is present in population databases (rs752039003, gnomAD 0.004%). This variant has not been reported in the literature in individuals affected with MCM3AP-related conditions. Algorithms developed to predict the effect of missense changes on protein structure and function output the following: SIFT: "Tolerated"; PolyPhen-2: "Benign"; Align-GVGD: "Class C0". The arginine amino acid residue is found in multiple mammalian species, which suggests that this missense change does not adversely affect protein function. In summary, the available evidence is currently insufficient to determine the role of this variant in disease. Therefore, it has been classified as a Variant of Uncertain Significance.

Dr. Peter K. Rogan Lab, Western University
No classification provided (evidence only). Condition: Gastric cancer. Review status: no classification provided. Collection method: in vitro. Allele origin: not applicable. Functional consequence: retained intron. Not counted in ClinVar's aggregate classification.

Dr. Peter K. Rogan Lab, Western University
No classification provided (evidence only). Condition: Malignant tumor of esophagus. Review status: no classification provided. Collection method: in vitro. Allele origin: not applicable. Functional consequence: retained intron. Not counted in ClinVar's aggregate classification.